The following is an entry in ClinVar:

NM_006231.4(POLE):c.51dup (p.Glu18fs)

Genes: POLE (DNA polymerase epsilon, catalytic subunit; minus strand), LOC130009266 (ATAC-STARR-seq lymphoblastoid silent region 5123; plus strand). Cytogenetic location: 12q24.33.
Variant type: Duplication.
Coding change: c.51dup on transcript NM_006231.4 (MANE Select); coding-DNA position 51, one base duplicated (C; older notation c.51dupC).
Protein change: p.Glu18fs; shifts the reading frame from glutamic acid 18.
Molecular consequence: frameshift variant.
Genome position (GRCh38, 1-based): chr12:132,687,265, G duplicated on the plus strand (C on the coding strand, the reverse complement: POLE is on the minus strand). VCF-style (leftmost placement, unchanged base first): chr12-132687264-C-CG. GRCh37 (hg19) VCF-style: chr12-133263850-C-CG.
Other names: c.51dupC (NM_006231.2); short protein forms E18fs.
Identifiers: ClinVar variation 1439655 (VCV001439655.9), dbSNP rs2136051965, ClinGen allele CA2573148116.

ClinVar aggregate classification (germline): Conflicting classifications of pathogenicity. Review status: criteria provided, conflicting classifications (1 of 4 stars). 3 submissions from 3 submitters: Pathogenic (2); Uncertain significance (1). Last evaluated 2026-06-30.

Conditions:
Hereditary cancer-predisposing syndrome. Also called: Hereditary Cancer Syndrome; Neoplastic Syndromes, Hereditary; Hereditary neoplastic syndrome; Tumor predisposition. Identifiers: Orphanet 140162, MedGen C0027672, MeSH D009386, MONDO:0015356.
Facial dysmorphism-immunodeficiency-livedo-short stature syndrome. Also called: Facial dysmorphism, immunodeficiency, livedo, and short stature; FILS syndrome. Identifiers: Orphanet 352712, MedGen C3554576, MONDO:0014058, OMIM 615139.

Submissions (3):

Ambry Genetics
Classification: Uncertain significance for Hereditary cancer-predisposing syndrome. Last evaluated: 2026-06-30. Review status: criteria provided, single submitter. Criteria: Ambry Variant Classification Scheme 2023. Collection method: clinical testing. Allele origin: germline.
Comment: The c.51dupC variant, located in coding exon 1 of the POLE gene, results from a duplication of C at nucleotide position 51, causing a translational frameshift with a predicted alternate stop codon (p.E18Rfs*6). This alteration is expected to result in loss of function by premature protein truncation or nonsense-mediated mRNA decay. Although biallelic loss of function of POLE has been associated with autosomal recessive POLE deficiency, haploinsufficiency of POLE has not been established as a mechanism of disease for POLE-related polymerase proofreading-associated polyposis (PPAP) and POLE-related CMMRD-like syndrome. Based on the supporting evidence, this variant is expected to be causative of POLE deficiency when present along with a second pathogenic variant on the other allele; however, its clinical significance for PPAP and POLE-related CMMRD-like syndrome is unclear.

Institute of Human Genetics, FAU Erlangen, Friedrich-Alexander-Universität Erlangen-Nürnberg
Classification: Pathogenic for Facial dysmorphism-immunodeficiency-livedo-short stature syndrome. Last evaluated: 2023-04-17. Review status: criteria provided, single submitter. Criteria: Hauer et al. (Genet Med. 2018). Collection method: clinical testing. Allele origin: germline. Inheritance: Autosomal recessive inheritance. Affected: yes. Observed: 1 variant allele.
Comment: This variant has been identified by standard clinical testing.

Labcorp Genetics (formerly Invitae), Labcorp
Classification: Pathogenic. Last evaluated: 2022-07-04. Review status: criteria provided, single submitter. Criteria: Invitae Variant Classification Sherloc (09022015). Collection method: clinical testing. Allele origin: germline.
Comment: For these reasons, this variant has been classified as Pathogenic. ClinVar contains an entry for this variant (Variation ID: 1439655). This variant has not been reported in the literature in individuals affected with POLE-related conditions. This variant is not present in population databases (gnomAD no frequency). This sequence change creates a premature translational stop signal (p.Glu18Argfs*6) in the POLE gene. It is expected to result in an absent or disrupted protein product. Loss-of-function variants in POLE are known to be pathogenic (PMID: 23230001, 25948378, 30503519).

Literature cited by the submitters: PubMed 23230001 (cited by Labcorp Genetics (formerly Invitae), Labcorp); PubMed 25948378 (cited by Labcorp Genetics (formerly Invitae), Labcorp); PubMed 30503519 (cited by Labcorp Genetics (formerly Invitae), Labcorp).